The following is an entry in ClinVar:

ClinVar aggregate classification (germline): Uncertain significance (1 of 4 stars; one submission).

Conditions:
Pulmonary hypertension, primary, 4. Identifiers: Orphanet 422, MedGen C3809198, MONDO:0014136, OMIM 615344.

Submission:

Labcorp Genetics (formerly Invitae), Labcorp
Classification: Uncertain significance for Pulmonary hypertension, primary, 4. Last evaluated: 2018-05-15. Review status: criteria provided, single submitter. Criteria: Invitae Variant Classification Sherloc (09022015). Collection method: clinical testing. Allele origin: germline.
Comment: Algorithms developed to predict the effect of missense changes on protein structure and function (SIFT, PolyPhen-2, Align-GVGD) all suggest that this variant is likely to be tolerated, but these predictions have not been confirmed by published functional studies and their clinical significance is uncertain. This variant has not been reported in the literature in individuals with KCNK3-related disease. This variant is not present in population databases (ExAC no frequency). This sequence change replaces histidine with tyrosine at codon 183 of the KCNK3 protein (p.His183Tyr). The histidine residue is weakly conserved and there is a moderate physicochemical difference between histidine and tyrosine. In summary, the available evidence is currently insufficient to determine the role of this variant in disease. Therefore, it has been classified as a Variant of Uncertain Significance.

NM_002246.3(KCNK3):c.547C>T (p.His183Tyr)

Gene: KCNK3 (potassium two pore domain channel subfamily K member 3; plus strand). Cytogenetic location: 2p23.3.
Variant type: single nucleotide variant.
Coding change: c.547C>T on transcript NM_002246.3 (MANE Select); coding-DNA position 547, C replaced by T.
Protein change: p.His183Tyr; replaces histidine 183 with tyrosine.
Molecular consequence: missense variant.
Genome position (GRCh38, 1-based): chr2:26,727,930, C>T. VCF-style: chr2-26727930-C-T. GRCh37 (hg19) VCF-style: chr2-26950798-C-T.
Other names: short protein forms H183Y.
Identifiers: ClinVar variation 578932 (VCV000578932.8), dbSNP rs1558604738, ClinGen allele CA346262236.